The following is an entry in ClinVar:

ClinVar aggregate classification (germline): Likely pathogenic (1 of 4 stars; one submission).

Conditions:
Autosomal recessive nonsyndromic hearing loss 49. Also called: Deafness, neurosensory, autosomal recessive 49. Identifiers: Orphanet 90636, MedGen C1857811, MONDO:0012420, OMIM 610153.

Submission:

Institute of Rare Diseases, West China Hospital, Sichuan University
Classification: Likely pathogenic for Autosomal recessive nonsyndromic hearing loss 49. Last evaluated: 2025-01-09. Review status: criteria provided, single submitter. Criteria: ClinGen HL ACMG Specifications v1. Collection method: research. Allele origin: germline. Affected: yes.
Comment: PVS1;PM2_Supporting

NM_001038603.3(MARVELD2):c.1512_1515del (p.Arg505fs)

Gene: MARVELD2 (MARVEL domain containing 2; plus strand). Cytogenetic location: 5q13.2.
Variant type: Microsatellite.
Coding change: c.1512_1515del on transcript NM_001038603.3 (MANE Select); coding-DNA positions 1512 to 1515, 4 bases deleted (GAGA; older notation c.1512_1515delGAGA).
Protein change: p.Arg505fs; shifts the reading frame from arginine 505.
Molecular consequence: frameshift variant.
Genome position (GRCh38, 1-based): chr5:69,440,458-69,440,461, GAGA deleted; deleting any 4 consecutive bases within chr5:69,440,456-69,440,461 gives the same sequence; the c. name uses the placement nearest the transcript's 3' end. VCF-style (leftmost placement, unchanged base first): chr5-69440455-TGAGA-T. GRCh37 (hg19) VCF-style: chr5-68736282-TGAGA-T.
Other names: c.1476_1479del, p.Arg493fs (NM_001244734.2); short protein forms R493fs, R505fs.
Identifiers: ClinVar variation 3601232 (VCV003601232.1).
Genomic context (GRCh38, chr5:69,440,455, plus strand): 5'-ATGATTTGAGTAAATGCAAATGTTTTAACTTAAGTATACAATGTATTATTTTTAGGAACA[TGAGA>T]GAATTTCAAGAATCCATGAAGAGTTTAAGAAAAAAAAGAATGTGAGTAAAACAGTTTTCT-3'